The following is an entry in ClinVar:

ClinVar aggregate classification (germline): Uncertain significance (0 of 4 stars; one submission).

Conditions:
VPS13B-related disorder. Also called: VPS13B-related condition.

gnomAD v4.1: 12 of 1,613,714 alleles (0.00074%); highest among the groups gnomAD compares: East Asian, 0.0022%; no homozygotes.

Submission:

PreventionGenetics, part of Exact Sciences
Classification: Uncertain significance for VPS13B-related condition. Last evaluated: 2023-12-31. Review status: no assertion criteria provided. Collection method: clinical testing. Allele origin: germline.
Comment: The VPS13B c.3680A>G variant is predicted to result in the amino acid substitution p.Tyr1227Cys. To our knowledge, this variant has not been reported in the literature or in a large population database, indicating this variant is rare. At this time, the clinical significance of this variant is uncertain due to the absence of conclusive functional and genetic evidence.

NM_152564.5(VPS13B):c.3680A>G (p.Tyr1227Cys)

Gene: VPS13B (vacuolar protein sorting 13 homolog B; plus strand). Cytogenetic location: 8q22.2.
Variant type: single nucleotide variant.
Coding change: c.3680A>G on transcript NM_152564.5 (MANE Select); coding-DNA position 3680, A replaced by G.
Protein change: p.Tyr1227Cys; replaces tyrosine 1227 with cysteine.
Molecular consequence: missense variant.
Genome position (GRCh38, 1-based): chr8:99,481,612, A>G. VCF-style: chr8-99481612-A-G. GRCh37 (hg19) VCF-style: chr8-100493840-A-G.
Other names: c.3680A>G, p.Tyr1227Cys (NM_017890.5); short protein forms Y1227C.
Identifiers: ClinVar variation 3356592 (VCV003356592.1).
Genomic context (GRCh38, chr8:99,481,612, plus strand): 5'-TGGAAGTTGAAAGACTTGTTTTCTTTTCTTTTTTCTTATGCTCTCAGGTCCAGCTCTTCT[A>G]TGAACTAACTGATATCATGAATAAGGTCTGGAACAAGATTCAGAAGAGAGGCAATCTCAA-3'
Protein context (NP_689777.3, residues 1217-1237): KCSNPQVQLF[Tyr1227Cys]ELTDIMNKVW